The following is an entry in ClinVar:

ClinVar aggregate classification (germline): Uncertain significance (1 of 4 stars; one submission).

Conditions:
Inborn genetic diseases. Identifiers: MedGen C0950123, MeSH D030342.

Submission:

Ambry Genetics
Classification: Uncertain significance for Inborn genetic diseases. Last evaluated: 2026-01-22. Review status: criteria provided, single submitter. Criteria: Ambry Variant Classification Scheme 2023. Collection method: clinical testing. Allele origin: germline.
Comment: The p.H160L variant (also known as c.479A>T), located in coding exon 6 of the DDX41 gene, results from an A to T substitution at nucleotide position 479. The histidine at codon 160 is replaced by leucine, an amino acid with similar properties. This amino acid position is conserved. In addition, the in silico prediction for this alteration is inconclusive. Based on the available evidence, the clinical significance of this variant remains unclear.

NM_016222.4(DDX41):c.479A>T (p.His160Leu)

Gene: DDX41 (DEAD-box helicase 41; minus strand). Cytogenetic location: 5q35.3.
Variant type: single nucleotide variant.
Coding change: c.479A>T on transcript NM_016222.4 (MANE Select); coding-DNA position 479, A replaced by T.
Protein change: p.His160Leu; replaces histidine 160 with leucine.
Molecular consequence: missense variant.
Genome position (GRCh38, 1-based): chr5:177,515,777, T>A on the plus strand (A>T on the coding strand, the complement: DDX41 is on the minus strand). VCF-style: chr5-177515777-T-A. GRCh37 (hg19) VCF-style: chr5-176942778-T-A.
Other names: c.101A>T, p.His34Leu (NM_001321732.2, NM_001321830.2); short protein forms H160L, H34L.
Identifiers: ClinVar variation 4844592 (VCV004844592.1).